The following is an entry in ClinVar:

NM_198506.5(LRIT3):c.895+4T>C

Gene: LRIT3 (leucine rich repeat, Ig-like and transmembrane domains 3; plus strand). Cytogenetic location: 4q25.
Variant type: single nucleotide variant.
Coding change: c.895+4T>C on transcript NM_198506.5 (MANE Select); 4 bases into the intron after coding-DNA position 895, T replaced by C.
Molecular consequence: intron variant.
Genome position (GRCh38, 1-based): chr4:109,867,950, T>C. VCF-style: chr4-109867950-T-C. GRCh37 (hg19) VCF-style: chr4-110789106-T-C.
Identifiers: ClinVar variation 1392365 (VCV001392365.6), dbSNP rs767550813, ClinGen allele CA3043082.
Genomic context (GRCh38, chr4:109,867,950, plus strand): 5'-TCCCCACCCCACAGATCACATGGACCAGATCTGACAGCTCGCCAGTTAATTATACAGGTA[T>C]TTTCTTAATTCAGCCCCATGATCAAAGGAGTTTACTAAGCTTTGAAGTTAACATCATGTG-3'

ClinVar aggregate classification (germline): Uncertain significance (1 of 4 stars; one submission).

Allele frequency attached by ClinVar (database versions not stated): gnomAD exomes below 0.00001; ExAC 0.00001; gnomAD 0.00001.

Submission:

Labcorp Genetics (formerly Invitae), Labcorp
Classification: Uncertain significance. Last evaluated: 2022-06-28. Review status: criteria provided, single submitter. Criteria: Invitae Variant Classification Sherloc (09022015). Collection method: clinical testing. Allele origin: germline.
Comment: This sequence change falls in intron 3 of the LRIT3 gene. It does not directly change the encoded amino acid sequence of the LRIT3 protein. It affects a nucleotide within the consensus splice site. This variant is present in population databases (rs767550813, gnomAD 0.0009%). This variant has not been reported in the literature in individuals affected with LRIT3-related conditions. Variants that disrupt the consensus splice site are a relatively common cause of aberrant splicing (PMID: 17576681, 9536098). Algorithms developed to predict the effect of sequence changes on RNA splicing suggest that this variant is not likely to affect RNA splicing. In summary, the available evidence is currently insufficient to determine the role of this variant in disease. Therefore, it has been classified as a Variant of Uncertain Significance.

Literature cited by the submitters: PubMed 17576681; PubMed 9536098.